The following is an entry in ClinVar:

ClinVar aggregate classification (germline): Uncertain significance. Review status: criteria provided, multiple submitters, no conflicts (2 of 4 stars). 2 submissions from 2 submitters: Uncertain significance (2). Last evaluated 2022-10-26.

Conditions:
Inborn genetic diseases. Identifiers: MedGen C0950123, MeSH D030342.

Allele frequency attached by ClinVar (database versions not stated): ExAC 0.00012; 1000 Genomes Project 30x 0.00016; 1000 Genomes Project 0.00020; ESP Exome Variant Server 0.00062.
gnomAD v4.1: 165 of 1,613,892 alleles (0.01%); highest among the groups gnomAD compares: African/African-American, 0.18%; 2 homozygotes.

Submissions (2):

Ambry Genetics
Classification: Uncertain significance for Inborn genetic diseases. Last evaluated: 2022-10-26. Review status: criteria provided, single submitter. Criteria: Ambry Variant Classification Scheme 2023. Collection method: clinical testing. Allele origin: germline.

Labcorp Genetics (formerly Invitae), Labcorp
Classification: Uncertain significance. Last evaluated: 2022-07-21. Review status: criteria provided, single submitter. Criteria: Invitae Variant Classification Sherloc (09022015). Collection method: clinical testing. Allele origin: germline.
Comment: Algorithms developed to predict the effect of missense changes on protein structure and function are either unavailable or do not agree on the potential impact of this missense change (SIFT: "Tolerated"; PolyPhen-2: "Possibly Damaging"; Align-GVGD: "Class C0"). In summary, the available evidence is currently insufficient to determine the role of this variant in disease. Therefore, it has been classified as a Variant of Uncertain Significance. This sequence change replaces alanine, which is neutral and non-polar, with valine, which is neutral and non-polar, at codon 481 of the QRSL1 protein (p.Ala481Val). This variant is present in population databases (rs142696796, gnomAD 0.1%). This variant has not been reported in the literature in individuals affected with QRSL1-related conditions.

NM_018292.5(QRSL1):c.1442C>T (p.Ala481Val)

Gene: QRSL1 (glutaminyl-tRNA amidotransferase subunit QRSL1; plus strand). Cytogenetic location: 6q21.
Variant type: single nucleotide variant.
Coding change: c.1442C>T on transcript NM_018292.5 (MANE Select); coding-DNA position 1442, C replaced by T.
Protein change: p.Ala481Val; replaces alanine 481 with valine.
Molecular consequence: missense variant.
Genome position (GRCh38, 1-based): chr6:106,665,857, C>T. VCF-style: chr6-106665857-C-T. GRCh37 (hg19) VCF-style: chr6-107113732-C-T.
Other names: short protein forms A481V.
Identifiers: ClinVar variation 2043889 (VCV002043889.3), dbSNP rs142696796, ClinGen allele CA3945035.